The following is an entry in ClinVar:

NM_002637.4(PHKA1):c.3199G>A (p.Val1067Ile)

Gene: PHKA1 (phosphorylase kinase regulatory subunit alpha 1; minus strand). Cytogenetic location: Xq13.1.
Variant type: single nucleotide variant.
Coding change: c.3199G>A on transcript NM_002637.4 (MANE Select); coding-DNA position 3199, G replaced by A.
Protein change: p.Val1067Ile; replaces valine 1067 with isoleucine.
Molecular consequence: missense variant.
Genome position (GRCh38, 1-based): chrX:72,593,148, C>T on the plus strand (G>A on the coding strand, the complement: PHKA1 is on the minus strand). VCF-style: chrX-72593148-C-T. GRCh37 (hg19) VCF-style: chrX-71812998-C-T.
Other names: c.3160G>A, p.Val1054Ile (NM_001122670.2, NM_001440787.1); c.2983G>A, p.Val995Ile (NM_001172436.2, NM_001440788.1); c.3250G>A, p.Val1084Ile (NM_001431068.1); short protein forms V1054I, V1067I, V1084I, V995I.
Identifiers: ClinVar variation 4891275 (VCV004891275.1).

ClinVar aggregate classification (germline): Uncertain significance (1 of 4 stars; one submission).

Conditions:
Glycogen storage disease IXd (GSD9D). Also called: GSD IXd; Muscle Phosphorylase Kinase Deficiency. Identifiers: Orphanet 715, MedGen C1845151, MONDO:0010362, OMIM 300559.

Submission:

Clinical Genetics Laboratory, University Hospital Schleswig-Holstein
Classification: Uncertain significance for Glycogen storage disease IXd. Last evaluated: 2025-11-11. Review status: criteria provided, single submitter. Criteria: ACMG Guidelines, 2015. Collection method: clinical testing. Allele origin: germline. Affected: yes. Observed: 1 heterozygote.
Comment: ACMG criteria applied: PM2, PP3